The following is an entry in ClinVar:

ClinVar aggregate classification (germline): Uncertain significance. Review status: criteria provided, multiple submitters, no conflicts (2 of 4 stars). 2 submissions from 2 submitters: Uncertain significance (2). Last evaluated 2025-11-19.

Conditions:
Early-infantile DEE. Also called: Early infantile epileptic encephalopathy; Ohtahara syndrome; Early infantile epileptic encephalopathy with suppression bursts. Identifiers: Orphanet 1934, MedGen C0393706, MONDO:0800491.
Inborn genetic diseases. Identifiers: MedGen C0950123, MeSH D030342.

Allele frequency attached by ClinVar (database versions not stated): TOPMed below 0.00001; ExAC 0.00001; gnomAD 0.00001; gnomAD exomes 0.00001.
gnomAD v4.1: 4 of 1,613,880 alleles (0.00025%); highest among the groups gnomAD compares: Admixed American, 0.0017%; no homozygotes.

Submissions (2):

Ambry Genetics
Classification: Uncertain significance for Inborn genetic diseases. Last evaluated: 2025-11-19. Review status: criteria provided, single submitter. Criteria: Ambry Variant Classification Scheme 2023. Collection method: clinical testing. Allele origin: germline.

Labcorp Genetics (formerly Invitae), Labcorp
Classification: Uncertain significance for Early-infantile DEE. Last evaluated: 2024-10-24. Review status: criteria provided, single submitter. Criteria: Invitae Variant Classification Sherloc (09022015). Collection method: clinical testing. Allele origin: germline.
Comment: This sequence change replaces glycine, which is neutral and non-polar, with serine, which is neutral and polar, at codon 943 of the SPTAN1 protein (p.Gly943Ser). This variant is present in population databases (rs778372200, gnomAD 0.003%). This variant has not been reported in the literature in individuals affected with SPTAN1-related conditions. ClinVar contains an entry for this variant (Variation ID: 1972161). Invitae Evidence Modeling of protein sequence and biophysical properties (such as structural, functional, and spatial information, amino acid conservation, physicochemical variation, residue mobility, and thermodynamic stability) has been performed for this missense variant. However, the output from this modeling did not meet the statistical confidence thresholds required to predict the impact of this variant on SPTAN1 protein function. In summary, the available evidence is currently insufficient to determine the role of this variant in disease. Therefore, it has been classified as a Variant of Uncertain Significance.

NM_001130438.3(SPTAN1):c.2827G>A (p.Gly943Ser)

Gene: SPTAN1 (spectrin alpha, non-erythrocytic 1; plus strand). Cytogenetic location: 9q34.11.
Variant type: single nucleotide variant.
Coding change: c.2827G>A on transcript NM_001130438.3 (MANE Select); coding-DNA position 2827, G replaced by A.
Protein change: p.Gly943Ser; replaces glycine 943 with serine.
Molecular consequence: missense variant.
Genome position (GRCh38, 1-based): chr9:128,587,654, G>A. VCF-style: chr9-128587654-G-A. GRCh37 (hg19) VCF-style: chr9-131349933-G-A.
Other names: c.2827G>A (NM_001130438.2); c.2827G>A, p.Gly943Ser (NM_001195532.2, NM_001363759.2, NM_001363765.2 and 5 more transcripts); c.2863G>A, p.Gly955Ser (NM_001375312.2, NM_001375318.1); short protein forms G943S, G955S.
Identifiers: ClinVar variation 1972161 (VCV001972161.6), dbSNP rs778372200, ClinGen allele CA5264737.